The following is an entry in ClinVar:

ClinVar aggregate classification (germline): Conflicting classifications of pathogenicity. Review status: criteria provided, conflicting classifications (1 of 4 stars). 2 submissions from 2 submitters: Likely pathogenic (1); Uncertain significance (1). Last evaluated 2026-04-06.

Conditions:
MPI-congenital disorder of glycosylation. Also called: CONGENITAL DISORDER OF GLYCOSYLATION, TYPE Ib; CDG Ib; MANNOSEPHOSPHATE ISOMERASE DEFICIENCY; PROTEIN-LOSING ENTEROPATHY-HEPATIC FIBROSIS SYNDROME; MPI-CDG; MPI DEFICIENCY. Identifiers: Orphanet 79319, MedGen C1865145, MONDO:0011257, OMIM 602579.

Allele frequency attached by ClinVar (database versions not stated): gnomAD exomes below 0.00001; TOPMed below 0.00001; gnomAD 0.00001.
gnomAD v4.1: 3 of 1,614,028 alleles (0.00019%); highest among the groups gnomAD compares: African/African-American, 0.0013%; no homozygotes.

Submissions (2):

Myriad Genetics, Inc.
Classification: Uncertain significance for MPI-congenital disorder of glycosylation. Last evaluated: 2026-04-06. Review status: criteria provided, single submitter. Criteria: Myriad Autosomal Dominant, Autosomal Recessive and X-Linked Classification Criteria (2023). Collection method: clinical testing. Allele origin: unknown.
Comment: NM_002435.1(MPI):c.1040T>C(I347T) is a missense variant classified as a variant of uncertain significance in the context of congenital disorder of glycosylation, MPI-related. I347T has not been observed in cases with relevant disease. Relevant functional assessments of this variant are not available in the literature. I347T has not been observed in referenced population frequency databases. In summary, there is insufficient evidence to classify NM_002435.1(MPI):c.1040T>C(I347T) as pathogenic or benign. Please note: this variant was assessed in the context of healthy population screening.

CeGaT Center for Human Genetics Tuebingen
Classification: Likely pathogenic. Last evaluated: 2023-03-01. Review status: criteria provided, single submitter. Criteria: CeGaT Center For Human Genetics Tuebingen Variant Classification Criteria Version 2. Collection method: clinical testing. Allele origin: germline. Affected: yes. Observed: 2 variant alleles.
Comment: MPI: PM2, PM3, PP4, PS4:Supporting

NM_002435.3(MPI):c.1040T>C (p.Ile347Thr)

Gene: MPI (mannose phosphate isomerase; plus strand). Cytogenetic location: 15q24.1.
Variant type: single nucleotide variant.
Coding change: c.1040T>C on transcript NM_002435.3 (MANE Select); coding-DNA position 1040, T replaced by C.
Protein change: p.Ile347Thr; replaces isoleucine 347 with threonine.
Molecular consequence: missense variant. On other transcripts: intron variant (1).
Genome position (GRCh38, 1-based): chr15:74,897,206, T>C. VCF-style: chr15-74897206-T-C. GRCh37 (hg19) VCF-style: chr15-75189547-T-C.
Other names: c.890T>C, p.Ile297Thr (NM_001289156.2); c.857T>C, p.Ile286Thr (NM_001289157.2); c.980T>C, p.Ile327Thr (NM_001330372.2); c.845-306T>C (NM_001289155.2); short protein forms I286T, I297T, I327T, I347T.
Identifiers: ClinVar variation 2498621 (VCV002498621.29), dbSNP rs2064832233, ClinGen allele CA393178354.